The following continues an entry in ClinVar:

NM_000152.5(GAA):c.2014C>T (p.Arg672Trp)

Gene: GAA. ClinVar aggregate classification (germline): Pathogenic. Pathogenic (1).

Submissions 8 to 13 of 13:

Women's Health and Genetics/Laboratory Corporation of America, LabCorp
Classification: Pathogenic for Glycogen storage disease, type II. Last evaluated: 2020-05-29. Review status: criteria provided, single submitter. Criteria: LabCorp Variant Classification Summary - May 2015. Collection method: clinical testing. Allele origin: germline. Not counted in ClinVar's aggregate classification.
Comment: Variant summary: GAA c.2014C>T (p.Arg672Trp) results in a non-conservative amino acid change in the encoded protein sequence. Five of five in-silico tools predict a damaging effect of the variant on protein function. The variant allele was found at a frequency of 8.3e-06 in 241258 control chromosomes. c.2014C>T has been reported in the literature in individuals affected with Glycogen Storage Disease, Type 2 (Pompe Disease, e.g. Bali_2011, Angelini_2012, Liu_2014). These data indicate that the variant is likely to be associated with disease. At least one publication reports experimental evidence evaluating an impact on GAA activity. The most pronounced variant effect was estimated to be less than 10% of normal activity (Bali_2011). Three clinical diagnostic laboratories have submitted clinical-significance assessments for this variant to ClinVar after 2014 without evidence for independent evaluation. All laboratories classified the variant as pathogenic/likely pathogenic. Based on the evidence outlined above, the variant was classified as pathogenic.

Broad Center for Mendelian Genomics, Broad Institute of MIT and Harvard
Classification: Likely pathogenic for Glycogen storage disease, type II. Last evaluated: 2020-01-22. Review status: criteria provided, single submitter. Criteria: ACMG Guidelines, 2015. Collection method: curation. Allele origin: germline. Inheritance: Autosomal recessive inheritance. Not counted in ClinVar's aggregate classification.
Comment: The heterozygous p.Arg672Trp variant in GAA has been reported in the compound heterozygous state in 11 individuals (including 3 Chinese, 2 Italian, and 1 German individuals) with Glycogen Storage Disease II (PMID: 21803581, 21484825, 25526786, 21757382, 16917947, 27692865, 22676651, 9535769) and has also been reported pathogenic by EGL Genetic Diagnostics and Illumina and likely pathogenic by Counsyl in ClinVar (Variation ID: 188773). This variant has been identified in 0.003% (1/29806) of South Asian chromosomes and 0.001% (1/108738) of European (non-Finnish) chromosomes by the Genome Aggregation Database (gnomAD; dbSNP rs757111744). Although this variant has been seen in the general population, its frequency is low enough to be consistent with a recessive carrier frequency. Computational prediction tools and conservation analyses suggest that this variant may impact the protein, though this information is not predictive enough to determine pathogenicity. The presence of this variant in combination with a pathogenic variant and in an individual with Glycogen Storage Disease II slightly increases the likelihood that the p.Arg672Trp variant is pathogenic (PMID: 9535769). A pathogenic variant at the the same position, p.Arg672Gln, has been associated with disease, supporting that a change at this position may not be tolerated (Variation ID: 371126). The phenotype of individuals heterozygous for this variant is highly specific for Glycogen Storage Disease II based on <10% of normal GAA activity in lymphocytes, muscle, or fibroblasts (PMID: 25526786, 9535769, 21484825, 22676651). In summary, although additional studies are required to fully establish its clinical significance, this variant is likely pathogenic. ACMG/AMP Criteria applied: PM2, PM5, PP4, PP3, PM3_Supporting (Richards 2015).

Eurofins Ntd Llc (ga)
Classification: Pathogenic. Last evaluated: 2018-08-20. Review status: criteria provided, single submitter. Criteria: EGL ClinVar v180209 classification definitions. Collection method: clinical testing. Allele origin: germline. Observed: 2 variant alleles, 2 heterozygotes. Not counted in ClinVar's aggregate classification.

Illumina Laboratory Services, Illumina
Classification: Pathogenic for Glycogen storage disease, type II. Last evaluated: 2017-04-28. Review status: criteria provided, single submitter. Criteria: ICSL Variant Classification Criteria 09 May 2019. Collection method: clinical testing. Allele origin: germline. Not counted in ClinVar's aggregate classification.
Comment: The GAA c.2014C>T (p.Arg672Trp) variant was identified in a compound heterozygous state in at least 11 individuals with late-onset glycogen storage disease type II (Huie et al. 1998; Sharma et al. 2005; Montalvo et al. 2006; Bali et al. 2011; Yang et al. 2011; Carlier et al. 2011; Liu et al. 2014). Control data are unavailable for this variant, but it is reported at a frequency of 0.00008 in the European (non-Finnish) population of the Exome Aggregation Consortium. GAA activity was measured at 0.1-1.0% of normal in fibroblasts from individuals carrying the p.Arg672Trp variant (Bali et al. 2011), and was decreased in muscle and lymphocytes of individuals carrying the variant (Sharma et al. 2005; Liu et al. 2014). Based on the evidence, the p.Arg672Trp variant is classified as pathogenic for glycogen storage disease type II. This variant was observed by ICSL as part of a predisposition screen in an ostensibly healthy population.

Juno Genomics, Hangzhou Juno Genomics, Inc
Classification: Pathogenic for Glycogen storage disease, type II; Glycogen storage disease due to acid maltase deficiency, late-onset. Review status: criteria provided, single submitter. Criteria: ACMG Guidelines, 2015. Collection method: clinical testing. Allele origin: germline. Not counted in ClinVar's aggregate classification.
Comment: Absent from controls (or at extremely low frequency if recessive) in Genome Aggregation Database.;For recessive disorders, detected in trans with a pathogenic variant.;Patient's phenotype or family history is highly specific for a disease with a single genetic etiology.;Multiple lines of computational evidence support a deleterious effect on the gene or gene product.

Counsyl
Classification: Pathogenic for Glycogen storage disease, type II. Last evaluated: 2018-10-19. Review status: no assertion criteria provided. Collection method: clinical testing. Allele origin: unknown. Not counted in ClinVar's aggregate classification.

Literature cited by the submitters: PubMed 9535769 (cited by 5 submitters); PubMed 22980766 (cited by Genomenon, Inc and Counsyl); PubMed 27692865 (cited by Genomenon, Inc and Broad Center for Mendelian Genomics, Broad Institute of MIT and Harvard); PubMed 15986226 (cited by 4 submitters); PubMed 21484825 (cited by 6 submitters); PubMed 21757382 (cited by 3 submitters); PubMed 25526786 (cited by 5 submitters); PubMed 21179524 (cited by Genomenon, Inc); PubMed 22081099 (cited by 3 submitters); PubMed 22676651 (cited by Genomenon, Inc and Broad Center for Mendelian Genomics, Broad Institute of MIT and Harvard); PubMed 19862843 (cited by Genomenon, Inc and Labcorp Genetics (formerly Invitae), Labcorp); PubMed 16917947 (cited by 4 submitters); PubMed 11053688 (cited by Labcorp Genetics (formerly Invitae), Labcorp); PubMed 23884227 (cited by Labcorp Genetics (formerly Invitae), Labcorp); PubMed 25712382 (cited by Labcorp Genetics (formerly Invitae), Labcorp); PubMed 28592009 (cited by Labcorp Genetics (formerly Invitae), Labcorp); PubMed 21803581 (cited by Broad Center for Mendelian Genomics, Broad Institute of MIT and Harvard and Illumina Laboratory Services, Illumina); PubMed 20308911 (cited by Counsyl).